The following is an entry in ClinVar:

ClinVar aggregate classification (germline): Uncertain significance (1 of 4 stars; one submission).

Conditions:
Hereditary motor and sensory neuropathy, Okinawa type (HMSNO). Also called: HEREDITARY MOTOR AND SENSORY NEUROPATHY, PROXIMAL TYPE. Identifiers: Orphanet 90117, MedGen C1858338, MONDO:0011468, OMIM 604484.
Hereditary spastic paraplegia 57. Also called: Spastic paraplegia 57, autosomal recessive. Identifiers: Orphanet 431329, MedGen C3714897, MONDO:0014295, OMIM 615658.

Submission:

Labcorp Genetics (formerly Invitae), Labcorp
Classification: Uncertain significance for Hereditary motor and sensory neuropathy, Okinawa type; Hereditary spastic paraplegia 57. Last evaluated: 2023-10-28. Review status: criteria provided, single submitter. Criteria: Invitae Variant Classification Sherloc (09022015). Collection method: clinical testing. Allele origin: germline.
Comment: This sequence change replaces arginine, which is basic and polar, with glycine, which is neutral and non-polar, at codon 385 of the TFG protein (p.Arg385Gly). This variant is not present in population databases (gnomAD no frequency). This variant has not been reported in the literature in individuals affected with TFG-related conditions. Advanced modeling of protein sequence and biophysical properties (such as structural, functional, and spatial information, amino acid conservation, physicochemical variation, residue mobility, and thermodynamic stability) performed at Invitae indicates that this missense variant is not expected to disrupt TFG protein function with a negative predictive value of 80%. In summary, the available evidence is currently insufficient to determine the role of this variant in disease. Therefore, it has been classified as a Variant of Uncertain Significance.

NM_006070.6(TFG):c.1153C>G (p.Arg385Gly)

Gene: TFG (trafficking from ER to golgi regulator; plus strand). Cytogenetic location: 3q12.2.
Variant type: single nucleotide variant.
Coding change: c.1153C>G on transcript NM_006070.6 (MANE Select); coding-DNA position 1153, C replaced by G.
Protein change: p.Arg385Gly; replaces arginine 385 with glycine.
Molecular consequence: missense variant.
Genome position (GRCh38, 1-based): chr3:100,748,481, C>G. VCF-style: chr3-100748481-C-G. GRCh37 (hg19) VCF-style: chr3-100467325-C-G.
Other names: c.1153C>G, p.Arg385Gly (NM_001007565.2, NM_001195478.2); c.1141C>G, p.Arg381Gly (NM_001195479.2); short protein forms R385G, R381G.
Identifiers: ClinVar variation 2937014 (VCV002937014.3), dbSNP rs548772203, ClinGen allele CA353854609.